The following is an entry in ClinVar:

NM_020376.4(PNPLA2):c.230G>A (p.Arg77Gln)

Gene: PNPLA2 (patatin like domain 2, triacylglycerol lipase; plus strand). Cytogenetic location: 11p15.5.
Variant type: single nucleotide variant.
Coding change: c.230G>A on transcript NM_020376.4 (MANE Select); coding-DNA position 230, G replaced by A.
Protein change: p.Arg77Gln; replaces arginine 77 with glutamine.
Molecular consequence: missense variant.
Genome position (GRCh38, 1-based): chr11:821,670, G>A. VCF-style: chr11-821670-G-A. GRCh37 (hg19) VCF-style: chr11-821670-G-A.
Other names: short protein forms R77Q.
Identifiers: ClinVar variation 852986 (VCV000852986.8), dbSNP rs373487598, ClinGen allele CA5790924.

ClinVar aggregate classification (germline): Uncertain significance. Review status: criteria provided, multiple submitters, no conflicts (2 of 4 stars). 2 submissions from 2 submitters: Uncertain significance (2). Last evaluated 2022-08-04.

Conditions:
Neutral lipid storage myopathy (NLSDM). Also called: NEUTRAL LIPID STORAGE DISEASE WITHOUT ICHTHYOSIS. Identifiers: Orphanet 98908, MedGen C1853136, MONDO:0012545, OMIM 610717.

Allele frequency attached by ClinVar (database versions not stated): gnomAD 0.00001; TOPMed 0.00002.

Submissions (2):

Labcorp Genetics (formerly Invitae), Labcorp
Classification: Uncertain significance for Neutral lipid storage myopathy. Last evaluated: 2022-08-04. Review status: criteria provided, single submitter. Criteria: Invitae Variant Classification Sherloc (09022015). Collection method: clinical testing. Allele origin: germline.
Comment: This sequence change replaces arginine, which is basic and polar, with glutamine, which is neutral and polar, at codon 77 of the PNPLA2 protein (p.Arg77Gln). This variant is present in population databases (rs373487598, gnomAD 0.004%). This variant has not been reported in the literature in individuals affected with PNPLA2-related conditions. ClinVar contains an entry for this variant (Variation ID: 852986). Algorithms developed to predict the effect of missense changes on protein structure and function are either unavailable or do not agree on the potential impact of this missense change (SIFT: "Tolerated"; PolyPhen-2: "Probably Damaging"; Align-GVGD: "Class C0"). In summary, the available evidence is currently insufficient to determine the role of this variant in disease. Therefore, it has been classified as a Variant of Uncertain Significance.

Blueprint Genetics
Classification: Uncertain significance. Last evaluated: 2017-08-30. Review status: criteria provided, single submitter. Criteria: ACMG Guidelines, 2015. Collection method: clinical testing. Allele origin: germline.